The following is an entry in ClinVar:

NM_001621.5(AHR):c.2144C>T (p.Thr715Ile)

Gene: AHR (aryl hydrocarbon receptor; plus strand). Cytogenetic location: 7p21.1.
Variant type: single nucleotide variant.
Coding change: c.2144C>T on transcript NM_001621.5 (MANE Select); coding-DNA position 2144, C replaced by T.
Protein change: p.Thr715Ile; replaces threonine 715 with isoleucine.
Molecular consequence: missense variant.
Genome position (GRCh38, 1-based): chr7:17,339,969, C>T. VCF-style: chr7-17339969-C-T. GRCh37 (hg19) VCF-style: chr7-17379593-C-T.
Other names: short protein forms T715I.
Identifiers: ClinVar variation 1023920 (VCV001023920.8), dbSNP rs1278930101, ClinGen allele CA366896204.

ClinVar aggregate classification (germline): Uncertain significance (1 of 4 stars; one submission).

Allele frequency attached by ClinVar (database versions not stated): gnomAD exomes below 0.00001 and 0.00001; gnomAD 0.00001; TOPMed 0.00001.
gnomAD v4.1: 6 of 1,614,056 alleles (0.00037%); highest among the groups gnomAD compares: Admixed American, 0.0067%; no homozygotes.

Submission:

Labcorp Genetics (formerly Invitae), Labcorp
Classification: Uncertain significance. Last evaluated: 2023-10-03. Review status: criteria provided, single submitter. Criteria: Invitae Variant Classification Sherloc (09022015). Collection method: clinical testing. Allele origin: germline.
Comment: This sequence change replaces threonine, which is neutral and polar, with isoleucine, which is neutral and non-polar, at codon 715 of the AHR protein (p.Thr715Ile). This variant is present in population databases (no rsID available, gnomAD 0.006%). This variant has not been reported in the literature in individuals affected with AHR-related conditions. ClinVar contains an entry for this variant (Variation ID: 1023920). An algorithm developed to predict the effect of missense changes on protein structure and function (PolyPhen-2) suggests that this variant is likely to be tolerated. In summary, the available evidence is currently insufficient to determine the role of this variant in disease. Therefore, it has been classified as a Variant of Uncertain Significance.